The following is an entry in ClinVar:

NM_001003722.2(GLE1):c.919_920del (p.Gln308fs)

Gene: GLE1 (GLE1 RNA export mediator; plus strand). Cytogenetic location: 9q34.11.
Variant type: Microsatellite.
Coding change: c.919_920del on transcript NM_001003722.2 (MANE Select); coding-DNA positions 919 to 920, 2 bases deleted (AG; older notation c.919_920delAG).
Protein change: p.Gln308fs; shifts the reading frame from glutamine 308.
Molecular consequence: frameshift variant.
Genome position (GRCh38, 1-based): chr9:128,525,213-128,525,214, AG deleted; deleting any 2 consecutive bases within chr9:128,525,209-128,525,214 gives the same sequence; the c. name uses the placement nearest the transcript's 3' end. VCF-style (leftmost placement, unchanged base first): chr9-128525208-CAG-C. GRCh37 (hg19) VCF-style: chr9-131287487-CAG-C.
Other names: c.919_920del, p.Gln308fs (NM_001499.2); short protein forms Q308fs.
Identifiers: ClinVar variation 1421411 (VCV001421411.6), dbSNP rs1434442292, ClinGen allele CA860262535.

ClinVar aggregate classification (germline): Pathogenic (1 of 4 stars; one submission).

Submission:

Labcorp Genetics (formerly Invitae), Labcorp
Classification: Pathogenic. Last evaluated: 2026-01-24. Review status: criteria provided, single submitter. Criteria: Invitae Variant Classification Sherloc (09022015). Collection method: clinical testing. Allele origin: germline.
Comment: This sequence change creates a premature translational stop signal (p.Gln308Serfs*2) in the GLE1 gene. It is expected to result in an absent or disrupted protein product. Loss-of-function variants in GLE1 are known to be pathogenic (PMID: 18204449, 24243016, 27684565). This variant is not present in population databases (gnomAD no frequency). This variant has not been reported in the literature in individuals affected with GLE1-related conditions. For these reasons, this variant has been classified as Pathogenic.

Literature cited by the submitters: PubMed 18204449; PubMed 24243016; PubMed 27684565.